The following is an entry in ClinVar:

NM_001042492.3(NF1):c.4064C>G (p.Ser1355Ter)

Gene: NF1 (neurofibromin 1; plus strand). Cytogenetic location: 17q11.2.
Variant type: single nucleotide variant.
Coding change: c.4064C>G on transcript NM_001042492.3 (MANE Select); coding-DNA position 4064, C replaced by G.
Protein change: p.Ser1355Ter; replaces serine 1355 with a stop codon.
Molecular consequence: nonsense.
Genome position (GRCh38, 1-based): chr17:31,249,073, C>G. VCF-style: chr17-31249073-C-G. GRCh37 (hg19) VCF-style: chr17-29576091-C-G.
Other names: c.4064C>G, p.Ser1355Ter (NM_000267.4); short protein forms S1355*.
Identifiers: ClinVar variation 428965 (VCV000428965.6), dbSNP rs1131691087, ClinGen allele CA398995007.

ClinVar aggregate classification (germline): Pathogenic/Likely pathogenic. Review status: criteria provided, multiple submitters, no conflicts (2 of 4 stars). 4 submissions from 4 submitters: Pathogenic (2); Likely pathogenic (1). 1 of the submissions does not count toward it. Last evaluated 2026-04-01.

Conditions:
NF1-related disorder. Also called: NF1-related condition. Identifiers: MedGen CN379171.
Hereditary cancer-predisposing syndrome. Also called: Neoplastic Syndromes, Hereditary; Tumor predisposition; Hereditary Cancer Syndrome; Hereditary neoplastic syndrome. Identifiers: Orphanet 140162, MedGen C0027672, MeSH D009386, MONDO:0015356.
Neurofibromatosis, type 1 (NF1). Also called: Peripheral type neurofibromatosis; VON RECKLINGHAUSEN DISEASE; NEUROFIBROMATOSIS, TYPE I, SOMATIC; Neurofibromatosis, type I. Identifiers: Orphanet 636, MedGen C0027831, MONDO:0018975, OMIM 162200. Disease mechanism: loss of function.

Submissions (4):

Department of Genetics, Sultan Qaboos University Hospital
Classification: Pathogenic for Neurofibromatosis, type 1. Last evaluated: 2026-04-01. Review status: criteria provided, single submitter. Criteria: ACMG Guidelines, 2015. Collection method: clinical testing. Allele origin: germline. Affected: yes. Observed: 1 variant allele.
Comment: PVS1,PM2,PP5_Very_Strong

Quest Diagnostics Nichols Institute San Juan Capistrano
Classification: Likely pathogenic. Last evaluated: 2024-11-07. Review status: criteria provided, single submitter. Criteria: Quest Diagnostics criteria. Collection method: clinical testing. Allele origin: unknown.
Comment: The NF1 c.4064C>G (p.Ser1355*) variant is predicted to cause the premature termination of NF1 protein synthesis. This variant has not been reported in individuals with NF1-related conditions in the published literature. This variant has not been reported in large, multi-ethnic general populations (Genome Aggregation Database). Based on the available information, this variant is classified as likely pathogenic.

Ambry Genetics
Classification: Pathogenic for Hereditary cancer-predisposing syndrome. Last evaluated: 2015-06-02. Review status: criteria provided, single submitter. Criteria: Ambry Autosomal Dominant and X-Linked criteria (10/2015). Collection method: clinical testing. Allele origin: germline. Observed: 1 variant allele.
Comment: The p.S1355* pathogenic mutation (also known as c.4064C>G) located in coding exon 30 of the NF1 gene, results from a C to G substitution at nucleotide position 4064. This changes the amino acid from a serine to a stop codon within coding exon 30. Since premature stop codons are typically deleterious in nature, this alteration is interpreted as a disease-causing mutation (ACMG Recommendations for Standards for Interpretation and Reporting of Sequence Variations. Revision 2007. Genet Med. 2008;10:294).

PreventionGenetics, part of Exact Sciences
Classification: Pathogenic for NF1-related condition. Last evaluated: 2024-05-23. Review status: no assertion criteria provided. Collection method: clinical testing. Allele origin: germline. Not counted in ClinVar's aggregate classification.
Comment: The NF1 c.4064C>G variant is predicted to result in premature protein termination (p.Ser1355*). To our knowledge, this variant has not been reported in the literature or in a large population database, indicating this variant is rare. This variant is interpreted as pathogenic in ClinVar. Nonsense variants in NF1 are expected to be pathogenic. This variant is interpreted as pathogenic.